The following is an entry in ClinVar:

ClinVar aggregate classification (germline): Uncertain significance (1 of 4 stars; one submission).

Allele frequency attached by ClinVar (database versions not stated): 1000 Genomes Project 30x 0.00016.
gnomAD v4.1: 7 of 1,603,838 alleles (0.00044%); highest among the groups gnomAD compares: Admixed American, 0.0034%; no homozygotes.

Submission:

Labcorp Genetics (formerly Invitae), Labcorp
Classification: Uncertain significance. Last evaluated: 2022-07-12. Review status: criteria provided, single submitter. Criteria: Invitae Variant Classification Sherloc (09022015). Collection method: clinical testing. Allele origin: germline.
Comment: This sequence change replaces valine, which is neutral and non-polar, with leucine, which is neutral and non-polar, at codon 226 of the KCNV2 protein (p.Val226Leu). This variant is not present in population databases (gnomAD no frequency). This variant has not been reported in the literature in individuals affected with KCNV2-related conditions. ClinVar contains an entry for this variant (Variation ID: 1404362). Advanced modeling of protein sequence and biophysical properties (such as structural, functional, and spatial information, amino acid conservation, physicochemical variation, residue mobility, and thermodynamic stability) performed at Invitae indicates that this missense variant is not expected to disrupt KCNV2 protein function. In summary, the available evidence is currently insufficient to determine the role of this variant in disease. Therefore, it has been classified as a Variant of Uncertain Significance.

NM_133497.4(KCNV2):c.676G>C (p.Val226Leu)

Gene: KCNV2 (potassium voltage-gated channel modifier subfamily V member 2; plus strand). Cytogenetic location: 9p24.2.
Variant type: single nucleotide variant.
Coding change: c.676G>C on transcript NM_133497.4 (MANE Select); coding-DNA position 676, G replaced by C.
Protein change: p.Val226Leu; replaces valine 226 with leucine.
Molecular consequence: missense variant.
Genome position (GRCh38, 1-based): chr9:2,718,415, G>C. VCF-style: chr9-2718415-G-C. GRCh37 (hg19) VCF-style: chr9-2718415-G-C.
Other names: short protein forms V226L.
Identifiers: ClinVar variation 1404362 (VCV001404362.6), dbSNP rs74587818, ClinGen allele CA187972606.